The following is an entry in ClinVar:

NM_001365951.3(KIF1B):c.8G>T (p.Gly3Val)

Genes: KIF1B (kinesin family member 1B; plus strand), LOC129388446 (MPRA-validated peak64 silencer; plus strand). Cytogenetic location: 1p36.22.
Variant type: single nucleotide variant.
Coding change: c.8G>T on transcript NM_001365951.3 (MANE Select); coding-DNA position 8, G replaced by T.
Protein change: p.Gly3Val; replaces glycine 3 with valine.
Molecular consequence: missense variant.
Genome position (GRCh38, 1-based): chr1:10,232,336, G>T. VCF-style: chr1-10232336-G-T. GRCh37 (hg19) VCF-style: chr1-10292394-G-T.
Other names: c.8G>T, p.Gly3Val (NM_001365952.1, NM_001365953.1, NM_015074.3 and 1 more transcripts); short protein forms G3V.
Identifiers: ClinVar variation 1765427 (VCV001765427.2), dbSNP rs2523352556, ClinGen allele CA338315509.

ClinVar aggregate classification (germline): Uncertain significance (1 of 4 stars; one submission).

Submission:

Ambry Genetics
Classification: Uncertain significance. Last evaluated: 2022-07-11. Review status: criteria provided, single submitter. Criteria: Ambry Variant Classification Scheme 2023. Collection method: clinical testing. Allele origin: germline.
Comment: The p.G3V variant (also known as c.8G>T), located in coding exon 1 of the KIF1B gene, results from a G to T substitution at nucleotide position 8. The glycine at codon 3 is replaced by valine, an amino acid with dissimilar properties. This amino acid position is conserved. In addition, this alteration is predicted to be deleterious by in silico analysis. Since supporting evidence is limited at this time, the clinical significance of this alteration remains unclear.